The following is an entry in ClinVar:

ClinVar aggregate classification (germline): Pathogenic. Review status: criteria provided, multiple submitters, no conflicts (2 of 4 stars). 3 submissions from 3 submitters: Pathogenic (2). 1 of the submissions does not count toward it. Last evaluated 2023-04-11.

Conditions:
Deficiency of hydroxymethylglutaryl-CoA lyase (HMGCLD). Also called: Defect in leucine metabolism; 3-hydroxy-3-methylglutaric aciduria; HMGCL DEFICIENCY; HYDROXYMETHYLGLUTARIC ACIDURIA; HMG-CoA LYASE DEFICIENCY. Identifiers: Orphanet 20, MedGen C1533587, MONDO:0009520, OMIM 246450.

Submissions (3):

Genome-Nilou Lab
Classification: Pathogenic for Deficiency of hydroxymethylglutaryl-CoA lyase. Last evaluated: 2023-04-11. Review status: criteria provided, single submitter. Criteria: ACMG Guidelines, 2015. Collection method: clinical testing. Allele origin: germline. Affected: no.

Labcorp Genetics (formerly Invitae), Labcorp
Classification: Pathogenic for Deficiency of hydroxymethylglutaryl-CoA lyase. Last evaluated: 2022-06-02. Review status: criteria provided, single submitter. Criteria: Invitae Variant Classification Sherloc (09022015). Collection method: clinical testing. Allele origin: germline.
Comment: ClinVar contains an entry for this variant (Variation ID: 557482). This premature translational stop signal has been observed in individual(s) with HMG-CoA lyase deficiency (PMID: 11461194). This variant is not present in population databases (gnomAD no frequency). This sequence change creates a premature translational stop signal (p.Gln96*) in the HMGCL gene. It is expected to result in an absent or disrupted protein product. Loss-of-function variants in HMGCL are known to be pathogenic (PMID: 9817922, 17692550, 23465862). For these reasons, this variant has been classified as Pathogenic.

Counsyl
Classification: Likely pathogenic for Deficiency of hydroxymethylglutaryl-CoA lyase. Last evaluated: 2018-03-27. Review status: no assertion criteria provided. Collection method: clinical testing. Allele origin: unknown. Not counted in ClinVar's aggregate classification.

Literature cited by the submitters: PubMed 11461194 (cited by Labcorp Genetics (formerly Invitae), Labcorp and Counsyl); PubMed 9817922 (cited by Labcorp Genetics (formerly Invitae), Labcorp); PubMed 17692550 (cited by Labcorp Genetics (formerly Invitae), Labcorp); PubMed 23465862 (cited by Labcorp Genetics (formerly Invitae), Labcorp).

NM_000191.3(HMGCL):c.286C>T (p.Gln96Ter)

Gene: HMGCL (3-hydroxy-3-methylglutaryl-CoA lyase; minus strand). Cytogenetic location: 1p36.11.
Variant type: single nucleotide variant.
Coding change: c.286C>T on transcript NM_000191.3 (MANE Select); coding-DNA position 286, C replaced by T.
Protein change: p.Gln96Ter; replaces glutamine 96 with a stop codon.
Molecular consequence: nonsense.
Genome position (GRCh38, 1-based): chr1:23,816,737, G>A on the plus strand (C>T on the coding strand, the complement: HMGCL is on the minus strand). VCF-style: chr1-23816737-G-A. GRCh37 (hg19) VCF-style: chr1-24143227-G-A.
Other names: c.286C>T, p.Gln96Ter (NM_001166059.2); short protein forms Q96*.
Identifiers: ClinVar variation 557482 (VCV000557482.7), dbSNP rs890995574, ClinGen allele CA19297704.